The following is an entry in ClinVar:

NM_139321.3(ATRN):c.1631+3G>A

Gene: ATRN (attractin; plus strand). Cytogenetic location: 20p13.
Variant type: single nucleotide variant.
Coding change: c.1631+3G>A on transcript NM_139321.3 (MANE Select); 3 bases into the intron after coding-DNA position 1631, G replaced by A.
Molecular consequence: intron variant.
Genome position (GRCh38, 1-based): chr20:3,562,462, G>A. VCF-style: chr20-3562462-G-A. GRCh37 (hg19) VCF-style: chr20-3543109-G-A.
Other names: c.1631+3G>A (NM_001323332.2, NM_139322.4); c.1283+3G>A (NM_001207047.3).
Identifiers: ClinVar variation 2889885 (VCV002889885.3), dbSNP rs772843318, ClinGen allele CA9744090.

ClinVar aggregate classification (germline): Uncertain significance (1 of 4 stars; one submission).

Allele frequency attached by ClinVar (database versions not stated): gnomAD exomes 0.00003; TOPMed below 0.00001; ExAC 0.00001.
gnomAD v4.1: 48 of 1,613,266 alleles (0.003%); highest among the groups gnomAD compares: Non-Finnish European, 0.0036%; no homozygotes.

Submission:

Labcorp Genetics (formerly Invitae), Labcorp
Classification: Uncertain significance. Last evaluated: 2025-05-20. Review status: criteria provided, single submitter. Criteria: Invitae Variant Classification Sherloc (09022015). Collection method: clinical testing. Allele origin: germline.
Comment: This sequence change falls in intron 9 of the ATRN gene. It does not directly change the encoded amino acid sequence of the ATRN protein. It affects a nucleotide within the consensus splice site. This variant is not present in population databases (gnomAD no frequency). This variant has not been reported in the literature in individuals affected with ATRN-related conditions. ClinVar contains an entry for this variant (Variation ID: 2889885). Variants that disrupt the consensus splice site are a relatively common cause of aberrant splicing (PMID: 17576681, 9536098). Algorithms developed to predict the effect of sequence changes on RNA splicing suggest that this variant is not likely to affect RNA splicing. In summary, the available evidence is currently insufficient to determine the role of this variant in disease. Therefore, it has been classified as a Variant of Uncertain Significance.

Literature cited by the submitters: PubMed 17576681; PubMed 9536098.